The following is an entry in ClinVar:

NM_001372106.1(DNAH10):c.2619C>T (p.Ile873=)

Gene: DNAH10 (dynein axonemal heavy chain 10; plus strand). Cytogenetic location: 12q24.31.
Variant type: single nucleotide variant.
Coding change: c.2619C>T on transcript NM_001372106.1 (MANE Select); coding-DNA position 2619, C replaced by T.
Protein change: p.Ile873=; no amino-acid change (isoleucine 873 retained).
Molecular consequence: synonymous variant.
Genome position (GRCh38, 1-based): chr12:123,803,665, C>T. VCF-style: chr12-123803665-C-T. GRCh37 (hg19) VCF-style: chr12-124288212-C-T.
Other names: c.2265C>T, p.Ile755= (NM_001083900.1, NM_207437.3).
Identifiers: ClinVar variation 3055679 (VCV003055679.2), dbSNP rs80041527, ClinGen allele CA6863106.

ClinVar aggregate classification (germline): Benign (0 of 4 stars; one submission).

Conditions:
DNAH10-related disorder. Also called: DNAH10-related condition.

Allele frequency attached by ClinVar (database versions not stated): TOPMed 0.16647; 1000 Genomes Project 0.16733; ESP Exome Variant Server 0.16992; 1000 Genomes Project 30x 0.17333.
gnomAD v4.1: 97,248 of 1,564,904 alleles (6.2%); highest among the groups gnomAD compares: African/African-American, 42%; 8,246 homozygotes.

Submission:

PreventionGenetics, part of Exact Sciences
Classification: Benign for DNAH10-related condition. Last evaluated: 2019-12-05. Review status: no assertion criteria provided. Collection method: clinical testing. Allele origin: germline.
Comment: This variant is classified as benign based on ACMG/AMP sequence variant interpretation guidelines (Richards et al. 2015 PMID: 25741868, with internal and published modifications).